The following is an entry in ClinVar:

NM_014334.4(FRRS1L):c.-99del

Gene: FRRS1L (ferric chelate reductase 1 like; minus strand). Cytogenetic location: 9q31.3.
Variant type: Deletion.
Coding change: c.-99del on transcript NM_014334.4 (MANE Select); 99 bases upstream of the start codon, one base deleted (G; older notation c.-99delG).
Molecular consequence: 5 prime UTR variant.
Genome position (GRCh38, 1-based): chr9:109,167,237, C deleted on the plus strand (G on the coding strand, the reverse complement: FRRS1L is on the minus strand); the first of 3 consecutive C bases (chr9:109,167,237-109,167,239); deleting any one gives the same sequence. VCF-style (leftmost placement, unchanged base first): chr9-109167236-GC-G. GRCh37 (hg19) VCF-style: chr9-111929516-GC-G.
Identifiers: ClinVar variation 4720998 (VCV004720998.1).

ClinVar aggregate classification (germline): Pathogenic (1 of 4 stars; one submission).

Conditions:
Developmental and epileptic encephalopathy, 37 (DEE37). Also called: Epileptic encephalopathy, early infantile, 37. Identifiers: MedGen C4310770, MONDO:0014859, OMIM 616981.

Submission:

Labcorp Genetics (formerly Invitae), Labcorp
Classification: Pathogenic for Developmental and epileptic encephalopathy, 37. Last evaluated: 2026-01-19. Review status: criteria provided, single submitter. Criteria: Invitae Variant Classification Sherloc (09022015). Collection method: clinical testing. Allele origin: germline.
Comment: This sequence change creates a premature translational stop signal (p.Ala19Argfs*53) in the FRRS1L gene. It is expected to result in an absent or disrupted protein product. Loss-of-function variants in FRRS1L are known to be pathogenic (PMID: 27236917). This variant is not present in population databases (gnomAD no frequency). This variant has not been reported in the literature in individuals affected with FRRS1L-related conditions. For these reasons, this variant has been classified as Pathogenic.

Literature cited by the submitters: PubMed 27236917.